The following is an entry in ClinVar:

ClinVar aggregate classification (germline): Likely pathogenic (1 of 4 stars; one submission).

Conditions:
Congenital myasthenic syndrome 9. Also called: Myasthenic syndrome, congenital, 9, associated with acetylcholine receptor deficiency. Identifiers: Orphanet 590, MedGen C4225368, MONDO:0014587, OMIM 616325.
Fetal akinesia deformation sequence 1 (FADS1). Also called: Fetal akinesia sequence; Pena-Shokeir syndrome type I. Identifiers: Orphanet 994, MedGen C1276035, MONDO:0100101, OMIM 208150, HP:0001989.

gnomAD v4.1: 2 of 1,611,294 alleles (0.00012%); highest among the groups gnomAD compares: East Asian, 0.0022%; no homozygotes.

Submission:

Labcorp Genetics (formerly Invitae), Labcorp
Classification: Likely pathogenic for Congenital myasthenic syndrome 9; Fetal akinesia deformation sequence 1. Last evaluated: 2024-01-08. Review status: criteria provided, single submitter. Criteria: Invitae Variant Classification Sherloc (09022015). Collection method: clinical testing. Allele origin: germline.
Comment: This sequence change affects an acceptor splice site in intron 2 of the MUSK gene. It is expected to disrupt RNA splicing. Variants that disrupt the donor or acceptor splice site typically lead to a loss of protein function (PMID: 16199547), and loss-of-function variants in MUSK are known to be pathogenic (PMID: 8653786, 25612909, 25695962, 25900532). This variant is not present in population databases (gnomAD no frequency). This variant has not been reported in the literature in individuals affected with MUSK-related conditions. Algorithms developed to predict the effect of sequence changes on RNA splicing suggest that this variant may disrupt the consensus splice site. In summary, the currently available evidence indicates that the variant is pathogenic, but additional data are needed to prove that conclusively. Therefore, this variant has been classified as Likely Pathogenic.

Literature cited by the submitters: PubMed 16199547; PubMed 8653786; PubMed 25612909; PubMed 25695962; PubMed 25900532.

NM_005592.4(MUSK):c.207-1G>A

Gene: MUSK (muscle associated receptor tyrosine kinase; plus strand). Cytogenetic location: 9q31.3.
Variant type: single nucleotide variant.
Coding change: c.207-1G>A on transcript NM_005592.4 (MANE Select); the canonical splice acceptor site of the intron before coding-DNA position 207, G replaced by A.
Molecular consequence: splice acceptor variant.
Genome position (GRCh38, 1-based): chr9:110,687,116, G>A. VCF-style: chr9-110687116-G-A. GRCh37 (hg19) VCF-style: chr9-113449396-G-A.
Other names: c.207-1G>A (NM_001166280.2, NM_001166281.2).
Identifiers: ClinVar variation 2922045 (VCV002922045.3), dbSNP rs2490594673, ClinGen allele CA374664135.